The following is an entry in ClinVar:

NM_002296.4(LBR):c.1188+10G>T

Gene: LBR (lamin B receptor; minus strand). Cytogenetic location: 1q42.12.
Variant type: single nucleotide variant.
Coding change: c.1188+10G>T on transcript NM_002296.4 (MANE Select); 10 bases into the intron after coding-DNA position 1188, G replaced by T.
Molecular consequence: intron variant.
Genome position (GRCh38, 1-based): chr1:225,411,327, C>A on the plus strand (G>T on the coding strand, the complement: LBR is on the minus strand). VCF-style: chr1-225411327-C-A. GRCh37 (hg19) VCF-style: chr1-225599029-C-A.
Other names: c.1188+10G>T (NM_194442.3, NM_002296.3).
Identifiers: ClinVar variation 4755300 (VCV004755300.2).

ClinVar aggregate classification (germline): Likely benign. Review status: criteria provided, multiple submitters, no conflicts (2 of 4 stars). 2 submissions from 2 submitters: Likely benign (2). Last evaluated 2025-05-28.

Conditions:
LBR-related disorder. Also called: LBR-related condition; LBR-related disorders.

gnomAD v4.1: 84 of 1,589,964 alleles (0.0053%); highest among the groups gnomAD compares: East Asian, 0.051%; no homozygotes.

Submissions (2):

Labcorp Genetics (formerly Invitae), Labcorp
Classification: Likely benign. Last evaluated: 2025-05-28. Review status: criteria provided, single submitter. Criteria: Invitae Variant Classification Sherloc (09022015). Collection method: clinical testing. Allele origin: germline.

PreventionGenetics, part of Exact Sciences
Classification: Likely benign for LBR-related condition. Last evaluated: 2025-01-21. Review status: criteria provided, single submitter. Criteria: ACMG Guidelines, 2015. Collection method: clinical testing. Allele origin: germline.
Comment: This variant is classified as likely benign based on ACMG/AMP sequence variant interpretation guidelines (Richards et al. 2015 PMID: 25741868, with internal and published modifications).